The following is an entry in ClinVar:

NM_004409.5(DMPK):c.*224CTG[103]

Genes: DM1-AS (DM1 locus antisense RNA; plus strand), DMPK (DM1 protein kinase; minus strand), LOC107075317 (origin of replication in DMPK trinucleotide repeat region; plus strand), LOC109461477 (dystrophia myotonica protein kinase repeat instability region; plus strand). Cytogenetic location: 19q13.32.
Variant type: Microsatellite.
Coding change: c.*224CTG[103] on transcript NM_004409.5 (MANE Select); 103 copies in a row of the 3-base unit CTG starting at c.*224.
Molecular consequence: 3 prime UTR variant.
Genome position: GRCh38, VCF-style position (the base before the change): chr19:45,770,204. GRCh37 (hg19), VCF-style position (the base before the change): chr19:46,273,462.
Other names: DM1 CTG repeat expansion; c.*224CTG[103] (NM_001081560.3, NM_001288764.2, NM_001424165.1 and 1 more transcripts); c.*217CTG[103] (NM_001081562.3, NM_001288765.2, NM_001424162.1 and 2 more transcripts); c.*222_*224TGC[103] (NM_001081563.3); c.*369CTG[103] (NM_001288766.2, NM_001424164.1, NM_001424168.1).
Identifiers: ClinVar variation 187908 (VCV000187908.3), ClinGen allele CA915951702.

ClinVar aggregate classification (germline): Pathogenic. Review status: criteria provided, single submitter (1 of 4 stars). 2 submissions from 2 submitters: Pathogenic (1). 1 of the submissions does not count toward it. Last evaluated 2019-11-26.

Conditions:
Steinert myotonic dystrophy syndrome (DM1). Also called: STEINERT DISEASE; Myotonic dystrophy type 1; Dystrophia myotonica type 1; Steinert myotonic dystrophy; Steinert's disease. Identifiers: Orphanet 273, MedGen C3250443, MONDO:0008056, OMIM 160900.

Submissions (2):

Neuromuscular Research, Maastricht University Medical Centre
Classification: Pathogenic for Steinert myotonic dystrophy syndrome. Last evaluated: 2019-11-26. Review status: criteria provided, single submitter. Criteria: Best practice guidelines on molecular diagnosis DM1 and DM2, Kamsteeg et al. 2012. Collection method: clinical testing. Allele origin: paternal. Affected: yes.

Institute of Molecular, Cell and Systems Biology, University of Glasgow
Classification: Pathogenic for Steinert myotonic dystrophy syndrome. Review status: no assertion criteria provided. Criteria: research. Collection method: research. Allele origin: germline. Inheritance: Autosomal dominant inheritance. Affected: yes. Observed: 1 heterozygote. Not counted in ClinVar's aggregate classification.
Comment: DMPK CTG repeat expansions greater than approximately 45-50 repeats are assumed to be pathogenic

This record is based on data published in PubMed 25052313, which reports only ClinVar accessions SCV000120188 and SCV000120189. The complete data set includes SCV000207445 - SCV000207579.

Literature cited by the submitters: PubMed 32203199 (cited by Neuromuscular Research, Maastricht University Medical Centre); PubMed 1346923 (cited by Institute of Molecular, Cell and Systems Biology, University of Glasgow); PubMed 1546326 (cited by Institute of Molecular, Cell and Systems Biology, University of Glasgow); PubMed 25052313 (cited by Institute of Molecular, Cell and Systems Biology, University of Glasgow).